The following is an entry in ClinVar:

NM_001081550.2(THOC2):c.3426A>G (p.Gln1142=)

Gene: THOC2 (THO complex subunit 2; minus strand). Cytogenetic location: Xq25.
Variant type: single nucleotide variant.
Coding change: c.3426A>G on transcript NM_001081550.2 (MANE Select); coding-DNA position 3426, A replaced by G.
Protein change: p.Gln1142=; no amino-acid change (glutamine 1142 retained).
Molecular consequence: synonymous variant.
Genome position (GRCh38, 1-based): chrX:123,623,864, T>C on the plus strand (A>G on the coding strand, the complement: THOC2 is on the minus strand). VCF-style: chrX-123623864-T-C. GRCh37 (hg19) VCF-style: chrX-122757715-T-C.
Identifiers: ClinVar variation 742917 (VCV000742917.8), dbSNP rs141055699, ClinGen allele CA10507457.

ClinVar aggregate classification (germline): Benign/Likely benign. Review status: criteria provided, multiple submitters, no conflicts (2 of 4 stars). 4 submissions from 4 submitters: Benign (1); Likely benign (2). 1 of the submissions does not count toward it. Last evaluated 2026-04-01.

Conditions:
THOC2-related disorder. Also called: THOC2-related condition.

Allele frequency attached by ClinVar (database versions not stated): gnomAD exomes 0.00006 and 0.00017; ExAC 0.00022; gnomAD 0.00073 and 0.00080; TOPMed 0.00083; ESP Exome Variant Server 0.00085; 1000 Genomes Project 30x 0.00104; 1000 Genomes Project 0.00132.
gnomAD v4.1: 159 of 1,209,843 alleles (0.013%); highest among the groups gnomAD compares: African/African-American, 0.24%; no homozygotes.

Submissions (4):

CeGaT Center for Human Genetics Tuebingen
Classification: Likely benign. Last evaluated: 2026-04-01. Review status: criteria provided, single submitter. Criteria: CeGaT Center For Human Genetics Tuebingen Variant Classification Criteria Version 2. Collection method: clinical testing. Allele origin: germline. Affected: yes. Observed: 1 variant allele.
Comment: THOC2: BP4, BS2

Blueprint Genetics
Classification: Likely benign. Last evaluated: 2024-11-06. Review status: criteria provided, single submitter. Criteria: ACMG Guidelines, 2015. Collection method: clinical testing. Allele origin: germline.

Labcorp Genetics (formerly Invitae), Labcorp
Classification: Benign. Last evaluated: 2018-06-29. Review status: criteria provided, single submitter. Criteria: Invitae Variant Classification Sherloc (09022015). Collection method: clinical testing. Allele origin: germline.

PreventionGenetics, part of Exact Sciences
Classification: Likely benign for THOC2-related condition. Last evaluated: 2019-12-06. Review status: no assertion criteria provided. Collection method: clinical testing. Allele origin: germline. Not counted in ClinVar's aggregate classification.
Comment: This variant is classified as likely benign based on ACMG/AMP sequence variant interpretation guidelines (Richards et al. 2015 PMID: 25741868, with internal and published modifications).